The following is an entry in ClinVar:

ClinVar aggregate classification (germline): Uncertain significance (1 of 4 stars; one submission).

Conditions:
Cardiomyopathy, familial hypertrophic 27. Identifiers: MedGen C4748014, MONDO:0054838, OMIM 618052.

Submission:

Victorian Clinical Genetics Services, Murdoch Childrens Research Institute
Classification: Uncertain significance for Cardiomyopathy, familial hypertrophic 27. Last evaluated: 2022-03-31. Review status: criteria provided, single submitter. Criteria: ACMG Guidelines, 2015. Collection method: clinical testing. Allele origin: germline. Inheritance: Autosomal recessive inheritance. Affected: yes.
Comment: Based on the classification scheme VCGS_Germline_v1.3.4, this variant is classified as VUS-3B. Following criteria are met: 0102 - Loss of function is a known mechanism of disease in this gene and is associated with familial hypertrophic cardiomyopathy 27 (MIM#618052). (I) 0106 - This gene is associated with autosomal recessive disease. However, there is emerging evidence of autosomal dominant disease with incomplete penetrance (PMID: 32480058, PMID: 34263907). (I) 0200 - Variant is predicted to result in a missense amino acid change from proline to serine. (I) 0251 - This variant is heterozygous. (I) 0301 - Variant is absent from gnomAD (both v2 and v3). (SP) 0309 - An alternative amino acid change at the same position has been observed in gnomAD (v3) (1 heterozygote, 0 homozygotes). (I) 0502 - Missense variant with conflicting in silico predictions and uninformative conservation. (I) 0604 - Variant is not located in an established domain, motif, hotspot or informative constraint region. (I) 0705 - No comparable missense variants have previous evidence for pathogenicity. (I) 0807 - This variant has no previous evidence of pathogenicity. (I) 0905 - No published segregation evidence has been identified for this variant. (I) 1007 - No published functional evidence has been identified for this variant. (I) 1208 - Inheritance information for this variant is not currently available in this individual. (I) Legend: (SP) - Supporting pathogenic, (I) - Information, (SB) - Supporting benign

Literature cited by the submitters: PubMed 32480058; PubMed 34263907.

NM_020778.5(ALPK3):c.1582C>T (p.Pro528Ser)

Genes: ALPK3 (alpha kinase 3; plus strand), LOC111718493 (skeletal muscle cis-regulatory module overlapping ALPK3; plus strand). Cytogenetic location: 15q25.3.
Variant type: single nucleotide variant.
Coding change: c.1582C>T on transcript NM_020778.5 (MANE Select); coding-DNA position 1582, C replaced by T.
Protein change: p.Pro528Ser; replaces proline 528 with serine.
Molecular consequence: missense variant.
Genome position (GRCh38, 1-based): chr15:84,840,861, C>T. VCF-style: chr15-84840861-C-T. GRCh37 (hg19) VCF-style: chr15-85384092-C-T.
Other names: short protein forms P528S.
Identifiers: ClinVar variation 1805404 (VCV001805404.1), dbSNP rs1198626416, ClinGen allele CA393376017.
Genomic context (GRCh38, chr15:84,840,861, plus strand): 5'-TGCGGGGCCCAGAGCTTAGGAAAGGCCCCACCTCAGGCCTCTGTGCAGGTGCCGACGCCC[C>T]CTGCCCGGCGGAGACATGGCACCCGGGACAGCACGTTGCAGGGGCAAGCAGGCCACAGGA-3'
Protein context (NP_065829.4, residues 518-538): PQASVQVPTP[Pro528Ser]ARRRHGTRDS